The following is an entry in ClinVar:

NM_001369268.1(ACAN):c.2018G>A (p.Cys673Tyr)

Gene: ACAN (aggrecan; plus strand). Cytogenetic location: 15q26.1.
Variant type: single nucleotide variant.
Coding change: c.2018G>A on transcript NM_001369268.1 (MANE Select); coding-DNA position 2018, G replaced by A.
Protein change: p.Cys673Tyr; replaces cysteine 673 with tyrosine.
Molecular consequence: missense variant.
Genome position (GRCh38, 1-based): chr15:88,849,723, G>A. VCF-style: chr15-88849723-G-A. GRCh37 (hg19) VCF-style: chr15-89392954-G-A.
Other names: c.2018G>A, p.Cys673Tyr (NM_001135.4, NM_013227.4); short protein forms C673Y.
Identifiers: ClinVar variation 1320541 (VCV001320541.2), dbSNP rs2141591834, ClinGen allele CA393712667.

ClinVar aggregate classification (germline): Uncertain significance (1 of 4 stars; one submission).

Submission:

GeneDx
Classification: Uncertain significance. Last evaluated: 2020-10-28. Review status: criteria provided, single submitter. Criteria: GeneDx Variant Classification Process June 2021. Collection method: clinical testing. Allele origin: germline. Affected: yes.
Comment: Has not been previously published as pathogenic or benign to our knowledge; In silico analysis supports that this missense variant has a deleterious effect on protein structure/function; Not observed in large population cohorts (Lek et al., 2016)